The following is an entry in ClinVar:

ClinVar aggregate classification (germline): Uncertain significance (1 of 4 stars; one submission).

Conditions:
Tuberous sclerosis 2 (TSC2). Identifiers: Orphanet 805, MedGen C1860707, MONDO:0013199, OMIM 613254.

Submission:

Labcorp Genetics (formerly Invitae), Labcorp
Classification: Uncertain significance for Tuberous sclerosis 2. Last evaluated: 2025-04-17. Review status: criteria provided, single submitter. Criteria: Invitae Variant Classification Sherloc (09022015). Collection method: clinical testing. Allele origin: germline.
Comment: This sequence change replaces leucine, which is neutral and non-polar, with serine, which is neutral and polar, at codon 1080 of the TSC2 protein (p.Leu1080Ser). This variant is not present in population databases (gnomAD no frequency). This variant has not been reported in the literature in individuals affected with TSC2-related conditions. Invitae Evidence Modeling of protein sequence and biophysical properties (such as structural, functional, and spatial information, amino acid conservation, physicochemical variation, residue mobility, and thermodynamic stability) indicates that this missense variant is not expected to disrupt TSC2 protein function with a negative predictive value of 95%. In summary, the available evidence is currently insufficient to determine the role of this variant in disease. Therefore, it has been classified as a Variant of Uncertain Significance.

NM_000548.5(TSC2):c.3239T>C (p.Leu1080Ser)

Gene: TSC2 (TSC complex subunit 2; plus strand). Cytogenetic location: 16p13.3.
Variant type: single nucleotide variant.
Coding change: c.3239T>C on transcript NM_000548.5 (MANE Select); coding-DNA position 3239, T replaced by C.
Protein change: p.Leu1080Ser; replaces leucine 1080 with serine.
Molecular consequence: missense variant. On other transcripts: non-coding transcript variant (5).
Genome position (GRCh38, 1-based): chr16:2,079,383, T>C. VCF-style: chr16-2079383-T-C. GRCh37 (hg19) VCF-style: chr16-2129384-T-C.
Other names: c.2507T>C, p.Leu836Ser (NM_001318831.2, NM_001406687.1, NM_001406688.1); c.3140T>C, p.Leu1047Ser (NM_001318832.2); c.3110T>C, p.Leu1037Ser (NM_001363528.2, NM_001370405.1, NM_021055.3); c.3107T>C, p.Leu1036Ser (NM_001370404.1, NM_001406665.1, NM_001077183.3); c.3236T>C, p.Leu1079Ser (NM_001406663.1, NM_001406664.1); c.3200T>C, p.Leu1067Ser (NM_001406667.1); c.3197T>C, p.Leu1066Ser (NM_001406668.1); c.2648T>C, p.Leu883Ser (NM_001406681.1); and 18 more; short protein forms L1000S, L1017S, L1030S, L1031S, L1032S, L1033S, L1036S, L1037S.
Identifiers: ClinVar variation 4802871 (VCV004802871.1).